The following is an entry in ClinVar:

ClinVar aggregate classification (germline): Likely benign. Review status: criteria provided, multiple submitters, no conflicts (2 of 4 stars). 2 submissions from 2 submitters: Likely benign (2). Last evaluated 2026-08-01.

Allele frequency attached by ClinVar (database versions not stated): TOPMed 0.00001; ExAC 0.00002.
gnomAD v4.1: 9 of 1,612,636 alleles (0.00056%); highest among the groups gnomAD compares: South Asian, 0.0044%; no homozygotes.

Submissions (2):

CeGaT Center for Human Genetics Tuebingen
Classification: Likely benign. Last evaluated: 2026-08-01. Review status: criteria provided, single submitter. Criteria: CeGaT Center For Human Genetics Tuebingen Variant Classification Criteria Version 2. Collection method: clinical testing. Allele origin: germline. Affected: yes. Observed: 1 variant allele.
Comment: RPS6KC1: BP4, BP7

Labcorp Genetics (formerly Invitae), Labcorp
Classification: Likely benign. Last evaluated: 2022-04-29. Review status: criteria provided, single submitter. Criteria: Invitae Variant Classification Sherloc (09022015). Collection method: clinical testing. Allele origin: germline.

NM_012424.6(RPS6KC1):c.87A>G (p.Val29=)

Gene: RPS6KC1 (ribosomal protein S6 kinase C1; plus strand). Cytogenetic location: 1q32.3.
Variant type: single nucleotide variant.
Coding change: c.87A>G on transcript NM_012424.6 (MANE Select); coding-DNA position 87, A replaced by G.
Protein change: p.Val29=; no amino-acid change (valine 29 retained).
Molecular consequence: synonymous variant. On other transcripts: 5 prime UTR variant (27), non-coding transcript variant (4).
Genome position (GRCh38, 1-based): chr1:213,051,491, A>G. VCF-style: chr1-213051491-A-G. GRCh37 (hg19) VCF-style: chr1-213224833-A-G.
Other names: c.87A>G, p.Val29= (NM_001136138.4, NM_001349646.2, NM_001349647.2); c.-535A>G (NM_001287218.3, NM_001349653.2); c.-574A>G (NM_001287219.3, NM_001349649.2); c.-1128A>G (NM_001287220.3); c.-336A>G (NM_001287221.3); c.-526A>G (NM_001349648.2); c.-652A>G (NM_001349650.2, NM_001349654.2); c.-773A>G (NM_001349651.2); and 16 more.
Identifiers: ClinVar variation 2175137 (VCV002175137.5), dbSNP rs781008492, ClinGen allele CA1387023.